The following is an entry in ClinVar:

ClinVar aggregate classification (germline): Uncertain significance (1 of 4 stars; one submission).

Conditions:
Long QT syndrome (LQTS). Identifiers: MedGen C0023976, MeSH D008133, MONDO:0002442. Disease mechanism: loss of function. Inheritance: Various modes of inheritance.

Submission:

Labcorp Genetics (formerly Invitae), Labcorp
Classification: Uncertain significance for Long QT syndrome. Last evaluated: 2020-08-20. Review status: criteria provided, single submitter. Criteria: Invitae Variant Classification Sherloc (09022015). Collection method: clinical testing. Allele origin: germline.
Comment: This sequence change replaces threonine with isoleucine at codon 2045 of the ANK2 protein (p.Thr2045Ile). The threonine residue is weakly conserved and there is a moderate physicochemical difference between threonine and isoleucine. This variant is not present in population databases (ExAC no frequency). This variant has not been reported in the literature in individuals with ANK2-related conditions. Algorithms developed to predict the effect of missense changes on protein structure and function output the following: SIFT: "Tolerated"; PolyPhen-2: "Benign"; Align-GVGD: "Class C0". The isoleucine amino acid residue is found in multiple mammalian species, suggesting that this missense change does not adversely affect protein function. These predictions have not been confirmed by published functional studies and their clinical significance is uncertain. In summary, the available evidence is currently insufficient to determine the role of this variant in disease. Therefore, it has been classified as a Variant of Uncertain Significance.

NM_001148.6(ANK2):c.6134C>T (p.Thr2045Ile)

Genes: ANK2 (ankyrin 2; plus strand), LOC126807136 (MED14-independent group 3 enhancer GRCh37_chr4:114274931-114276130; plus strand). Cytogenetic location: 4q26.
Variant type: single nucleotide variant.
Coding change: c.6134C>T on transcript NM_001148.6 (MANE Select); coding-DNA position 6134, C replaced by T.
Protein change: p.Thr2045Ile; replaces threonine 2045 with isoleucine.
Molecular consequence: missense variant. On other transcripts: intron variant (68).
Genome position (GRCh38, 1-based): chr4:113,354,752, C>T. VCF-style: chr4-113354752-C-T. GRCh37 (hg19) VCF-style: chr4-114275908-C-T.
Other names: c.5900C>T, p.Thr1967Ile (NM_001386142.1); c.2534C>T, p.Thr845Ile (NM_001386166.1); c.6275C>T, p.Thr2092Ile (NM_001386174.1); c.6251C>T, p.Thr2084Ile (NM_001386175.1); c.4411+4503C>T (NM_001386186.2, NM_001386148.2); c.4213+4503C>T (NM_001354269.3); c.4291+4503C>T (NM_001386187.2); c.4252+4503C>T (NM_001386147.1); and 35 more; short protein forms T1967I, T2045I, T2084I, T2092I, T845I.
Identifiers: ClinVar variation 1025010 (VCV001025010.5), dbSNP rs1014242925, ClinGen allele CA103813125.